The following is an entry in ClinVar:

ClinVar aggregate classification (germline): Uncertain significance (1 of 4 stars; one submission).

Submission:

Labcorp Genetics (formerly Invitae), Labcorp
Classification: Uncertain significance. Last evaluated: 2021-09-09. Review status: criteria provided, single submitter. Criteria: Invitae Variant Classification Sherloc (09022015). Collection method: clinical testing. Allele origin: germline.
Comment: This sequence change replaces proline with leucine at codon 177 of the ABL1 protein (p.Pro177Leu). The proline residue is highly conserved and there is a moderate physicochemical difference between proline and leucine. This variant is not present in population databases (ExAC no frequency). This variant has not been reported in the literature in individuals affected with ABL1-related conditions. Algorithms developed to predict the effect of missense changes on protein structure and function are either unavailable or do not agree on the potential impact of this missense change (SIFT: "Tolerated"; PolyPhen-2: "Possibly Damaging"; Align-GVGD: "Class C0"). In summary, the available evidence is currently insufficient to determine the role of this variant in disease. Therefore, it has been classified as a Variant of Uncertain Significance.

NM_005157.6(ABL1):c.473C>T (p.Pro158Leu)

Gene: ABL1 (ABL proto-oncogene 1, non-receptor tyrosine kinase; plus strand). Cytogenetic location: 9q34.12.
Variant type: single nucleotide variant.
Coding change: c.473C>T on transcript NM_005157.6 (MANE Select); coding-DNA position 473, C replaced by T.
Protein change: p.Pro158Leu; replaces proline 158 with leucine.
Molecular consequence: missense variant.
Genome position (GRCh38, 1-based): chr9:130,855,020, C>T. VCF-style: chr9-130855020-C-T. GRCh37 (hg19) VCF-style: chr9-133730407-C-T.
Other names: c.530C>T, p.Pro177Leu (NM_007313.3); short protein forms P158L, P177L.
Identifiers: ClinVar variation 1488448 (VCV001488448.6), dbSNP rs2132958367, ClinGen allele CA375259010.